The following is an entry in ClinVar:

NM_000264.5(PTCH1):c.2281C>G (p.Leu761Val)

Genes: PTCH1 (patched 1; minus strand), LOC100507346 (uncharacterized LOC100507346; plus strand). Cytogenetic location: 9q22.32.
Variant type: single nucleotide variant.
Coding change: c.2281C>G on transcript NM_000264.5 (MANE Select); coding-DNA position 2281, C replaced by G.
Protein change: p.Leu761Val; replaces leucine 761 with valine.
Molecular consequence: missense variant. On other transcripts: non-coding transcript variant (1).
Genome position (GRCh38, 1-based): chr9:95,467,395, G>C on the plus strand (C>G on the coding strand, the complement: PTCH1 is on the minus strand). VCF-style: chr9-95467395-G-C. GRCh37 (hg19) VCF-style: chr9-98229677-G-C.
Other names: c.2083C>G, p.Leu695Val (NM_001083602.3); c.2278C>G, p.Leu760Val (NM_001083603.3); c.1828C>G, p.Leu610Val (NM_001083604.3, NM_001083605.3, NM_001083606.3 and 1 more transcripts); c.2125C>G, p.Leu709Val (NM_001354918.2); short protein forms L760V, L761V, L610V, L695V, L709V.
Identifiers: ClinVar variation 821016 (VCV000821016.4), dbSNP rs1554694457, ClinGen allele CA374114709.

ClinVar aggregate classification (germline): Uncertain significance (1 of 4 stars; one submission).

Conditions:
Hereditary cancer-predisposing syndrome. Also called: Neoplastic Syndromes, Hereditary; Tumor predisposition; Hereditary Cancer Syndrome; Hereditary neoplastic syndrome. Identifiers: Orphanet 140162, MedGen C0027672, MeSH D009386, MONDO:0015356.

Submission:

Ambry Genetics
Classification: Uncertain significance for Hereditary cancer-predisposing syndrome. Last evaluated: 2018-12-28. Review status: criteria provided, single submitter. Criteria: Ambry Variant Classification Scheme 2023. Collection method: clinical testing. Allele origin: germline.
Comment: The p.L761V variant (also known as c.2281C>G), located in coding exon 15 of the PTCH1 gene, results from a C to G substitution at nucleotide position 2281. The leucine at codon 761 is replaced by valine, an amino acid with highly similar properties. This amino acid position is highly conserved in available vertebrate species. In addition, the in silico prediction for this alteration is inconclusive. Since supporting evidence is limited at this time, the clinical significance of this alteration remains unclear.